The following is an entry in ClinVar:

ClinVar aggregate classification (germline): Uncertain significance (1 of 4 stars; one submission).

Conditions:
Deficiency of isobutyryl-CoA dehydrogenase. Also called: ACAD8 DEFICIENCY; IBD DEFICIENCY; ACYL-CoA DEHYDROGENASE FAMILY, MEMBER 8, DEFICIENCY OF. Identifiers: Orphanet 79159, MedGen C1969809, MONDO:0012648, OMIM 611283.

Allele frequency attached by ClinVar (database versions not stated): TOPMed below 0.00001; gnomAD exomes 0.00001.

Submission:

Labcorp Genetics (formerly Invitae), Labcorp
Classification: Uncertain significance for Deficiency of isobutyryl-CoA dehydrogenase. Last evaluated: 2020-12-02. Review status: criteria provided, single submitter. Criteria: Invitae Variant Classification Sherloc (09022015). Collection method: clinical testing. Allele origin: germline.
Comment: This variant is not present in population databases (ExAC no frequency). This sequence change replaces arginine with tryptophan at codon 29 of the ACAD8 protein (p.Arg29Trp). The arginine residue is moderately conserved and there is a moderate physicochemical difference between arginine and tryptophan. This variant has not been reported in the literature in individuals with ACAD8-related conditions. In summary, the available evidence is currently insufficient to determine the role of this variant in disease. Therefore, it has been classified as a Variant of Uncertain Significance. Advanced modeling of protein sequence and biophysical properties (such as structural, functional, and spatial information, amino acid conservation, physicochemical variation, residue mobility, and thermodynamic stability) performed at Invitae indicates that this missense variant is not expected to disrupt ACAD8 protein function.

NM_014384.3(ACAD8):c.85C>T (p.Arg29Trp)

Gene: ACAD8 (acyl-CoA dehydrogenase family member 8; plus strand). Cytogenetic location: 11q25.
Variant type: single nucleotide variant.
Coding change: c.85C>T on transcript NM_014384.3 (MANE Select); coding-DNA position 85, C replaced by T.
Protein change: p.Arg29Trp; replaces arginine 29 with tryptophan.
Molecular consequence: missense variant.
Genome position (GRCh38, 1-based): chr11:134,253,685, C>T. VCF-style: chr11-134253685-C-T. GRCh37 (hg19) VCF-style: chr11-134123579-C-T.
Other names: short protein forms R29W.
Identifiers: ClinVar variation 1349878 (VCV001349878.8), dbSNP rs1278727402, ClinGen allele CA383511955.